The following is an entry in ClinVar:

NM_213655.5(WNK1):c.2170_2171insA (p.Val724fs)

Gene: WNK1 (WNK lysine deficient protein kinase 1; plus strand). Cytogenetic location: 12p13.33.
Variant type: Insertion.
Coding change: c.2170_2171insA on transcript NM_213655.5 (MANE Plus Clinical); coding-DNA positions 2170 to 2171, A inserted.
Protein change: p.Val724fs; shifts the reading frame from valine 724.
Molecular consequence: frameshift variant. On other transcripts: intron variant (3).
Genome position: GRCh38 VCF-style: chr12-865140-G-GA. GRCh37 (hg19) VCF-style: chr12-974306-G-GA.
Other names: c.2140-2726_2140-2725insA (NM_001184985.2); c.2139+2870_2139+2871insA (NM_018979.4, NM_014823.3); short protein forms V724fs.
Identifiers: ClinVar variation 2946344 (VCV002946344.3), dbSNP rs2548721957, ClinGen allele CA2617005792.

ClinVar aggregate classification (germline): Uncertain significance (1 of 4 stars; one submission).

Conditions:
Neuropathy, hereditary sensory and autonomic, type 2A (HSAN2A). Also called: ACROOSTEOLYSIS, GIACCAI TYPE; ACROOSTEOLYSIS, NEUROGENIC; MORVAN DISEASE; NEUROPATHY, CONGENITAL SENSORY; NEUROPATHY, HEREDITARY SENSORY RADICULAR, AUTOSOMAL RECESSIVE; NEUROPATHY, HEREDITARY SENSORY, TYPE IIA. Identifiers: Orphanet 970, MedGen C2752089, MONDO:0024309, OMIM 201300.
Pseudohypoaldosteronism type 2C (PHA2C). Also called: Pseudohypoaldosteronism Type IIC. Identifiers: Orphanet 757, Orphanet 88940, MedGen C1840391, MONDO:0013778, OMIM 614492.

Allele frequency attached by ClinVar (database versions not stated): gnomAD exomes below 0.00001.

Submission:

Labcorp Genetics (formerly Invitae), Labcorp
Classification: Uncertain significance for Neuropathy, hereditary sensory and autonomic, type 2A; Pseudohypoaldosteronism type 2C. Last evaluated: 2025-11-17. Review status: criteria provided, single submitter. Criteria: Invitae Variant Classification Sherloc (09022015). Collection method: clinical testing. Allele origin: germline.
Comment: This sequence change creates a premature translational stop signal (p.Val724Aspfs*47) in the WNK1 gene. However, it is currently unclear if variants that occur in this region of the gene cause disease. This variant is not present in population databases (gnomAD no frequency). This variant has not been reported in the literature in individuals affected with WNK1-related conditions. ClinVar contains an entry for this variant (Variation ID: 2946344). In summary, the available evidence is currently insufficient to determine the role of this variant in disease. Therefore, it has been classified as a Variant of Uncertain Significance.